The following is an entry in ClinVar:

ClinVar aggregate classification (germline): Likely benign. Review status: criteria provided, single submitter (1 of 4 stars). 2 submissions from 2 submitters: Likely benign (1). 1 of the submissions does not count toward it. Last evaluated 2024-10-26.

Conditions:
COL7A1-related disorder. Also called: COL7A1-related condition; COL7A1- related disorders.

Allele frequency attached by ClinVar (database versions not stated): ExAC 0.00001; TOPMed 0.00001; gnomAD exomes 0.00002.

Submissions (2):

Labcorp Genetics (formerly Invitae), Labcorp
Classification: Likely benign. Last evaluated: 2024-10-26. Review status: criteria provided, single submitter. Criteria: Invitae Variant Classification Sherloc (09022015). Collection method: clinical testing. Allele origin: germline.

PreventionGenetics, part of Exact Sciences
Classification: Likely benign for COL7A1-related condition. Last evaluated: 2020-02-27. Review status: no assertion criteria provided. Collection method: clinical testing. Allele origin: germline. Not counted in ClinVar's aggregate classification.
Comment: This variant is classified as likely benign based on ACMG/AMP sequence variant interpretation guidelines (Richards et al. 2015 PMID: 25741868, with internal and published modifications).

NM_000094.4(COL7A1):c.852C>T (p.Asn284=)

Gene: COL7A1 (collagen type VII alpha 1 chain; minus strand). Cytogenetic location: 3p21.31.
Variant type: single nucleotide variant.
Coding change: c.852C>T on transcript NM_000094.4 (MANE Select); coding-DNA position 852, C replaced by T.
Protein change: p.Asn284=; no amino-acid change (asparagine 284 retained).
Molecular consequence: synonymous variant.
Genome position (GRCh38, 1-based): chr3:48,592,694, G>A on the plus strand (C>T on the coding strand, the complement: COL7A1 is on the minus strand). VCF-style: chr3-48592694-G-A. GRCh37 (hg19) VCF-style: chr3-48630127-G-A.
Identifiers: ClinVar variation 763162 (VCV000763162.9), dbSNP rs765324289, ClinGen allele CA2381423.